The following is an entry in ClinVar:

NM_017849.4(TMEM127):c.409+8G>A

Gene: TMEM127 (transmembrane protein 127; minus strand). Cytogenetic location: 2q11.2.
Variant type: single nucleotide variant.
Coding change: c.409+8G>A on transcript NM_017849.4 (MANE Select); 8 bases into the intron after coding-DNA position 409, G replaced by A.
Molecular consequence: intron variant.
Genome position (GRCh38, 1-based): chr2:96,254,825, C>T on the plus strand (G>A on the coding strand, the complement: TMEM127 is on the minus strand). VCF-style: chr2-96254825-C-T. GRCh37 (hg19) VCF-style: chr2-96920563-C-T.
Other names: c.409+8G>A (NM_001193304.3, NM_017849.3).
Identifiers: ClinVar variation 1129760 (VCV001129760.12), dbSNP rs749887924, ClinGen allele CA1777323.
Genomic context (GRCh38, chr2:96,254,825, plus strand): 5'-GCAACTCAGACAGGATGCCCCCACCCTGTAGCAGTTCCTCTCCCACTGTGAGCAGGCTCA[C>T]GGCTTACCCGTTAGGATATGGGCGAAGGCATAGCGACGAGTGATCTTCAGAGCAGGATGC-3'

ClinVar aggregate classification (germline): Likely benign. Review status: criteria provided, multiple submitters, no conflicts (2 of 4 stars). 4 submissions from 4 submitters: Likely benign (4). Last evaluated 2026-07-28.

Conditions:
Hereditary pheochromocytoma and paraganglioma. Also called: Hereditary paragangliomas and pheochromocytomas; Hereditary Paraganglioma-Pheochromocytoma Syndromes; Hereditary pheochromocytoma-paraganglioma. Identifiers: Orphanet 29072, MedGen C4274332, MONDO:0017366.

Allele frequency attached by ClinVar (database versions not stated): ExAC 0.00002; gnomAD exomes 0.00002; TOPMed below 0.00001.
gnomAD v4.1: 23 of 1,613,954 alleles (0.0014%); highest among the groups gnomAD compares: Admixed American, 0.01%; no homozygotes.

Submissions (4):

Myriad Genetics, Inc.
Classification: Likely benign for Hereditary pheochromocytoma and paraganglioma. Last evaluated: 2026-07-28. Review status: criteria provided, single submitter. Criteria: Myriad Autosomal Dominant, Autosomal Recessive and X-Linked Classification Criteria (2023). Collection method: clinical testing. Allele origin: unknown.
Comment: This variant is considered likely benign. This variant is intronic and is not expected to impact mRNA splicing.

Labcorp Genetics (formerly Invitae), Labcorp
Classification: Likely benign for Hereditary pheochromocytoma and paraganglioma. Last evaluated: 2025-12-01. Review status: criteria provided, single submitter. Criteria: Invitae Variant Classification Sherloc (09022015). Collection method: clinical testing. Allele origin: germline.

Quest Diagnostics Nichols Institute San Juan Capistrano
Classification: Likely benign. Last evaluated: 2025-05-16. Review status: criteria provided, single submitter. Criteria: Quest Diagnostics criteria. Collection method: clinical testing. Allele origin: unknown.

Blueprint Genetics
Classification: Likely benign. Last evaluated: 2023-05-23. Review status: criteria provided, single submitter. Criteria: ACMG Guidelines, 2015. Collection method: clinical testing. Allele origin: germline.